The following is an entry in ClinVar:

NM_000484.4(APP):c.*590C>A

Gene: APP (amyloid beta precursor protein; minus strand). Cytogenetic location: 21q21.3.
Variant type: single nucleotide variant.
Coding change: c.*590C>A on transcript NM_000484.4 (MANE Select); 590 bases downstream of the stop codon, C replaced by A.
Molecular consequence: 3 prime UTR variant.
Genome position (GRCh38, 1-based): chr21:25,881,080, G>T on the plus strand (C>A on the coding strand, the complement: APP is on the minus strand). VCF-style: chr21-25881080-G-T. GRCh37 (hg19) VCF-style: chr21-27253391-G-T.
Other names: c.*590C>A (NM_001136016.3, NM_001136129.3, NM_001136130.3 and 7 more transcripts).
Identifiers: ClinVar variation 339624 (VCV000339624.5), dbSNP rs45455403, ClinGen allele CA10653477.

ClinVar aggregate classification (germline): Likely benign (1 of 4 stars; one submission).

Conditions:
Alzheimer disease. Also called: Presenile and senile dementia; Alzheimer's disease. Identifiers: Orphanet 1020, MedGen C0002395, MeSH D000544, MONDO:0004975, HP:0002511.

Allele frequency attached by ClinVar (database versions not stated): gnomAD exomes 0.00025; gnomAD 0.00874 and 0.00936; TOPMed 0.00925; 1000 Genomes Project 0.01138; 1000 Genomes Project 30x 0.01187.
gnomAD v4.1: 1,316 of 156,406 alleles (0.84%); highest among the groups gnomAD compares: African/African-American, 3%; 21 homozygotes.

Submission:

Illumina Laboratory Services, Illumina
Classification: Likely benign for Alzheimer disease type 1. Last evaluated: 2017-04-27. Review status: criteria provided, single submitter. Criteria: ICSL Variant Classification Criteria 13 December 2019. Collection method: clinical testing. Allele origin: germline.
Comment: This variant was observed as part of a predisposition screen in an ostensibly healthy population. A literature search was performed for the gene, cDNA change, and amino acid change (where applicable). No publications were found based on this search. Allele frequency data from public databases allowed determination this variant is unlikely to cause disease. Therefore, this variant is classified as likely benign.